The following is an entry in ClinVar:

NM_020433.5(JPH2):c.1404G>C (p.Glu468Asp)

Gene: JPH2 (junctophilin 2; minus strand). Cytogenetic location: 20q13.12.
Variant type: single nucleotide variant.
Coding change: c.1404G>C on transcript NM_020433.5 (MANE Select); coding-DNA position 1404, G replaced by C.
Protein change: p.Glu468Asp; replaces glutamic acid 468 with aspartic acid.
Molecular consequence: missense variant.
Genome position (GRCh38, 1-based): chr20:44,116,271, C>G on the plus strand (G>C on the coding strand, the complement: JPH2 is on the minus strand). VCF-style: chr20-44116271-C-G. GRCh37 (hg19) VCF-style: chr20-42744911-C-G.
Other names: short protein forms E468D.
Identifiers: ClinVar variation 3227377 (VCV003227377.4), dbSNP rs1161692727, ClinGen allele CA409100699.

ClinVar aggregate classification (germline): Uncertain significance. Review status: criteria provided, multiple submitters, no conflicts (2 of 4 stars). 3 submissions from 3 submitters: Uncertain significance (3). Last evaluated 2024-04-30.

Conditions:
Cardiovascular phenotype. Identifiers: MedGen CN230736.
Hypertrophic cardiomyopathy. Also called: HYPERTROPHIC MYOCARDIOPATHY. Identifiers: Orphanet 217569, MedGen C0007194, MeSH D002312, MONDO:0005045, HP:0001639.

Allele frequency attached by ClinVar (database versions not stated): gnomAD exomes below 0.00001; TOPMed below 0.00001.
gnomAD v4.1: 1 of 1,528,686 alleles (0.000065%); highest among the groups gnomAD compares: Non-Finnish European, 0.000088%; no homozygotes.

Submissions (3):

Labcorp Genetics (formerly Invitae), Labcorp
Classification: Uncertain significance for Hypertrophic cardiomyopathy. Last evaluated: 2024-04-30. Review status: criteria provided, single submitter. Criteria: Invitae Variant Classification Sherloc (09022015). Collection method: clinical testing. Allele origin: germline.
Comment: This sequence change replaces glutamic acid, which is acidic and polar, with aspartic acid, which is acidic and polar, at codon 468 of the JPH2 protein (p.Glu468Asp). This variant is not present in population databases (gnomAD no frequency). This variant has not been reported in the literature in individuals affected with JPH2-related conditions. An algorithm developed to predict the effect of missense changes on protein structure and function (PolyPhen-2) suggests that this variant is likely to be tolerated. In summary, the available evidence is currently insufficient to determine the role of this variant in disease. Therefore, it has been classified as a Variant of Uncertain Significance.

Blueprint Genetics
Classification: Uncertain significance. Last evaluated: 2024-04-04. Review status: criteria provided, single submitter. Criteria: ACMG Guidelines, 2015. Collection method: clinical testing. Allele origin: germline.

Ambry Genetics
Classification: Uncertain significance for Cardiovascular phenotype. Last evaluated: 2023-11-01. Review status: criteria provided, single submitter. Criteria: Ambry Variant Classification Scheme 2023. Collection method: clinical testing. Allele origin: germline.
Comment: The p.E468D variant (also known as c.1404G>C), located in coding exon 4 of the JPH2 gene, results from a G to C substitution at nucleotide position 1404. The glutamic acid at codon 468 is replaced by aspartic acid, an amino acid with highly similar properties. This amino acid position is conserved. In addition, this alteration is predicted to be tolerated by in silico analysis. Since supporting evidence is limited at this time, the clinical significance of this alteration remains unclear.